The following is an entry in ClinVar:

NM_003074.4(SMARCC1):c.563T>C (p.Ile188Thr)

Gene: SMARCC1 (SWI/SNF related BAF chromatin remodeling complex subunit C1; minus strand). Cytogenetic location: 3p21.31.
Variant type: single nucleotide variant.
Coding change: c.563T>C on transcript NM_003074.4 (MANE Select); coding-DNA position 563, T replaced by C.
Protein change: p.Ile188Thr; replaces isoleucine 188 with threonine.
Molecular consequence: missense variant.
Genome position (GRCh38, 1-based): chr3:47,736,047, A>G on the plus strand (T>C on the coding strand, the complement: SMARCC1 is on the minus strand). VCF-style: chr3-47736047-A-G. GRCh37 (hg19) VCF-style: chr3-47777537-A-G.
Other names: short protein forms I188T.
Identifiers: ClinVar variation 5039858 (VCV005039858.1).

ClinVar aggregate classification (germline): Uncertain significance (1 of 4 stars; one submission).

Submission:

CeGaT Center for Human Genetics Tuebingen
Classification: Uncertain significance. Last evaluated: 2026-07-01. Review status: criteria provided, single submitter. Criteria: CeGaT Center For Human Genetics Tuebingen Variant Classification Criteria Version 2. Collection method: clinical testing. Allele origin: germline. Affected: yes. Observed: 1 variant allele.
Comment: SMARCC1: PM2